The following is an entry in ClinVar:

ClinVar aggregate classification (germline): Likely benign. Review status: criteria provided, multiple submitters, no conflicts (2 of 4 stars). 8 submissions from 8 submitters: Likely benign (8). Last evaluated 2026-05-05.

Conditions:
Hereditary cancer-predisposing syndrome. Also called: Neoplastic Syndromes, Hereditary; Hereditary Cancer Syndrome; Tumor predisposition; Hereditary neoplastic syndrome. Identifiers: Orphanet 140162, MedGen C0027672, MeSH D009386, MONDO:0015356.
Ataxia-telangiectasia syndrome (AT). Also called: LOUIS-BAR SYNDROME; Cerebello-oculocutaneous telangiectasia; Immunodeficiency with ataxia telangiectasia; Ataxia-telangiectasia, complementation group D; AT, COMPLEMENTATION GROUP C; Ataxia-telangiectasia, complementation group E. Identifiers: Orphanet 100, MedGen C0004135, MONDO:0008840, OMIM 208900.
Familial cancer of breast. Also called: Hereditary breast cancer; BREAST CANCER, FAMILIAL; hereditary breast carcinoma. Identifiers: Orphanet 227535, MedGen C0346153, MONDO:0016419, OMIM 114480. Disease mechanism: loss of function.

Allele frequency attached by ClinVar (database versions not stated): gnomAD exomes below 0.00001 and 0.00001; ExAC 0.00001.
gnomAD v4.1: 6 of 1,613,278 alleles (0.00037%); highest among the groups gnomAD compares: East Asian, 0.011%; no homozygotes.

Submissions (8):

Women's Health and Genetics/Laboratory Corporation of America, LabCorp
Classification: Likely benign. Last evaluated: 2026-05-05. Review status: criteria provided, single submitter. Criteria: LabCorp Variant Classification Summary - May 2015. Collection method: clinical testing. Allele origin: germline.
Comment: Variant summary: ATM c.7788+7G>A alters a non-conserved nucleotide located at a position not widely known to affect splicing. Consensus agreement among computation tools predict no significant impact on normal splicing. However, these predictions have yet to be confirmed by functional studies. The variant allele was found at a frequency of 1.2e-05 in 250708 control chromosomes. The available data on variant occurrences in the general population are insufficient to allow any conclusion about variant significance. To our knowledge, c.7788+7G>A has not been observed in individual(s) affected with ATM-related conditions and no experimental evidence demonstrating an impact on protein function has been reported. ClinVar contains an entry for this variant (Variation ID: 453703). Based on the evidence outlined above, the variant was classified as likely benign.

Labcorp Genetics (formerly Invitae), Labcorp
Classification: Likely benign for Ataxia-telangiectasia syndrome. Last evaluated: 2025-11-02. Review status: criteria provided, single submitter. Criteria: Invitae Variant Classification Sherloc (09022015). Collection method: clinical testing. Allele origin: germline.

Myriad Genetics, Inc.
Classification: Likely benign for Familial cancer of breast. Last evaluated: 2024-06-17. Review status: criteria provided, single submitter. Criteria: Myriad Autosomal Dominant, Autosomal Recessive and X-Linked Classification Criteria (2023). Collection method: clinical testing. Allele origin: unknown.
Comment: This variant is considered likely benign. This variant is intronic and is not expected to impact mRNA splicing.

Blueprint Genetics
Classification: Likely benign. Last evaluated: 2024-06-14. Review status: criteria provided, single submitter. Criteria: ACMG Guidelines, 2015. Collection method: clinical testing. Allele origin: germline.

Department of Pathology and Laboratory Medicine, Sinai Health System
Classification: Likely benign for Familial cancer of breast. Last evaluated: 2022-02-01. Review status: criteria provided, single submitter. Criteria: ACMG Guidelines, 2015. Collection method: clinical testing. Allele origin: germline. Affected: yes.

Sema4
Classification: Likely benign for Hereditary cancer-predisposing syndrome. Last evaluated: 2021-02-05. Review status: criteria provided, single submitter. Criteria: Sema4 Curation Guidelines. Collection method: curation. Allele origin: germline.

GeneDx
Classification: Likely benign. Last evaluated: 2017-03-28. Review status: criteria provided, single submitter. Criteria: GeneDx Variant Classification (06012015). Collection method: clinical testing. Allele origin: germline. Affected: yes.
Comment: This variant is considered likely benign or benign based on one or more of the following criteria: it is a conservative change, it occurs at a poorly conserved position in the protein, it is predicted to be benign by multiple in silico algorithms, and/or has population frequency not consistent with disease.

Color Diagnostics, LLC DBA Color Health
Classification: Likely benign for Hereditary cancer-predisposing syndrome. Last evaluated: 2017-01-16. Review status: criteria provided, single submitter. Criteria: ACMG Guidelines, 2015. Collection method: clinical testing. Allele origin: germline.

Literature cited by the submitters: PubMed 36135357 (cited by Women's Health and Genetics/Laboratory Corporation of America, LabCorp).

NM_000051.4(ATM):c.7788+7G>A

Genes: ATM (ATM serine/threonine kinase; plus strand), C11orf65 (chromosome 11 open reading frame 65; minus strand). Cytogenetic location: 11q22.3.
Variant type: single nucleotide variant.
Coding change: c.7788+7G>A on transcript NM_000051.4 (MANE Select); 7 bases into the intron after coding-DNA position 7788, G replaced by A.
Molecular consequence: intron variant.
Genome position (GRCh38, 1-based): chr11:108,332,044, G>A. VCF-style: chr11-108332044-G-A. GRCh37 (hg19) VCF-style: chr11-108202771-G-A.
Other names: c.7788+7G>A (NM_001351834.2); c.641-22973C>T (NM_001330368.2); c.*38+3176C>T (NM_001351110.2).
Identifiers: ClinVar variation 453703 (VCV000453703.22), dbSNP rs749610251, ClinGen allele CA6266177.